The following is an entry in ClinVar:

NM_000642.3(AGL):c.1690G>A (p.Asp564Asn)

Gene: AGL (amylo-alpha-1,6-glucosidase and 4-alpha-glucanotransferase; plus strand). Cytogenetic location: 1p21.2.
Variant type: single nucleotide variant.
Coding change: c.1690G>A on transcript NM_000642.3 (MANE Select); coding-DNA position 1690, G replaced by A.
Protein change: p.Asp564Asn; replaces aspartic acid 564 with asparagine.
Molecular consequence: missense variant.
Genome position (GRCh38, 1-based): chr1:99,880,001, G>A. VCF-style: chr1-99880001-G-A. GRCh37 (hg19) VCF-style: chr1-100345557-G-A.
Other names: c.1690G>A, p.Asp564Asn (NM_000028.3, NM_000643.3, NM_000644.3 and 2 more transcripts); c.1642G>A, p.Asp548Asn (NM_000646.3); c.1489G>A, p.Asp497Asn (NM_001425327.1); c.1486G>A, p.Asp496Asn (NM_001425328.1, NM_001425329.1); c.1312G>A, p.Asp438Asn (NM_001425332.1); short protein forms D564N, D548N, D438N, D496N, D497N.
Identifiers: ClinVar variation 2202612 (VCV002202612.1), dbSNP rs1393453150, ClinGen allele CA341315715.

ClinVar aggregate classification (germline): Uncertain significance (1 of 4 stars; one submission).

Conditions:
Glycogen storage disease type III (GSD3). Also called: Cori disease; FORBES DISEASE. Identifiers: Orphanet 366, MedGen C0017922, MONDO:0009291, OMIM 232400.

Allele frequency attached by ClinVar (database versions not stated): gnomAD exomes below 0.00001.
gnomAD v4.1: 6 of 1,613,714 alleles (0.00037%); highest among the groups gnomAD compares: Non-Finnish European, 0.00051%; no homozygotes.

Submission:

Labcorp Genetics (formerly Invitae), Labcorp
Classification: Uncertain significance for Glycogen storage disease type III. Last evaluated: 2022-06-13. Review status: criteria provided, single submitter. Criteria: Invitae Variant Classification Sherloc (09022015). Collection method: clinical testing. Allele origin: germline.
Comment: This sequence change replaces aspartic acid, which is acidic and polar, with asparagine, which is neutral and polar, at codon 564 of the AGL protein (p.Asp564Asn). This variant is present in population databases (no rsID available, gnomAD 0.002%). This variant has not been reported in the literature in individuals affected with AGL-related conditions. Algorithms developed to predict the effect of missense changes on protein structure and function are either unavailable or do not agree on the potential impact of this missense change (SIFT: "Deleterious"; PolyPhen-2: "Probably Damaging"; Align-GVGD: "Class C0"). In summary, the available evidence is currently insufficient to determine the role of this variant in disease. Therefore, it has been classified as a Variant of Uncertain Significance.